The following is an entry in ClinVar:

NM_020754.4(ARHGAP31):c.*18G>A

Gene: ARHGAP31 (Rho GTPase activating protein 31; plus strand). Cytogenetic location: 3q13.33.
Variant type: single nucleotide variant.
Coding change: c.*18G>A on transcript NM_020754.4 (MANE Select); 18 bases downstream of the stop codon, G replaced by A.
Molecular consequence: 3 prime UTR variant.
Genome position (GRCh38, 1-based): chr3:119,416,282, G>A. VCF-style: chr3-119416282-G-A. GRCh37 (hg19) VCF-style: chr3-119135129-G-A.
Identifiers: ClinVar variation 3629561 (VCV003629561.2).

ClinVar aggregate classification (germline): Uncertain significance (1 of 4 stars; one submission).

gnomAD v4.1: 3 of 1,611,912 alleles (0.00019%); highest among the groups gnomAD compares: African/African-American, 0.0027%; no homozygotes.

Submission:

Women's Health and Genetics/Laboratory Corporation of America, LabCorp
Classification: Uncertain significance. Last evaluated: 2024-11-26. Review status: criteria provided, single submitter. Criteria: LabCorp Variant Classification Summary - May 2015. Collection method: clinical testing. Allele origin: germline.
Comment: Variant summary: ARHGAP31 c.*18G>A is located in the untranslated mRNA region downstream of the termination codon. The variant allele was found at a frequency of 4.1e-06 in 244260 control chromosomes. The available data on variant occurrences in the general population are insufficient to allow any conclusion about variant significance. To our knowledge, no occurrence of c.*18G>A in individuals affected with Adams-Oliver Syndrome 1 and no experimental evidence demonstrating its impact on protein function have been reported. No submitters have cited clinical-significance assessments for this variant to ClinVar. Based on the evidence outlined above, the variant was classified as uncertain significance.